The following is an entry in ClinVar:

NM_032634.4(PIGO):c.-213C>G

Genes: PIGO (phosphatidylinositol glycan anchor biosynthesis class O; minus strand), PIGO-AS1 (PIGO antisense RNA 1; plus strand), LOC130001694 (ATAC-STARR-seq lymphoblastoid active region 28320; plus strand). Cytogenetic location: 9p13.3.
Variant type: single nucleotide variant.
Coding change: c.-213C>G on transcript NM_032634.4 (MANE Select); 213 bases upstream of the start codon, C replaced by G.
Molecular consequence: 5 prime UTR variant. On other transcripts: intron variant (1).
Genome position (GRCh38, 1-based): chr9:35,096,366, G>C on the plus strand (C>G on the coding strand, the complement: PIGO is on the minus strand). VCF-style: chr9-35096366-G-C. GRCh37 (hg19) VCF-style: chr9-35096363-G-C.
Other names: c.-311C>G (NM_001201484.2); c.-2+195C>G (NM_152850.4).
Identifiers: ClinVar variation 366764 (VCV000366764.5), dbSNP rs547807832, ClinGen allele CA10633955.

ClinVar aggregate classification (germline): Likely benign (1 of 4 stars; one submission).

Conditions:
Hyperphosphatasia with impaired intellectual development syndrome 2. Also called: Hyperphosphatasia with intellectual disability syndrome 2; GLYCOSYLPHOSPHATIDYLINOSITOL BIOSYNTHESIS DEFECT 6. Identifiers: Orphanet 247262, MedGen C3553637, MONDO:0013882, OMIM 614749.

Allele frequency attached by ClinVar (database versions not stated): gnomAD 0.00001 and 0.00018; 1000 Genomes Project 0.00060; 1000 Genomes Project 30x 0.00078; TOPMed 0.00003.

Submission:

Illumina Laboratory Services, Illumina
Classification: Likely benign for Hyperphosphatasia with impaired intellectual development syndrome 2. Last evaluated: 2018-01-12. Review status: criteria provided, single submitter. Criteria: ICSL Variant Classification Criteria 13 December 2019. Collection method: clinical testing. Allele origin: germline.
Comment: This variant was observed in the ICSL laboratory as part of a predisposition screen in an ostensibly healthy population. It had not been previously curated by ICSL or reported in the Human Gene Mutation Database (HGMD: prior to June 1st, 2018), and was therefore a candidate for classification through an automated scoring system. Utilizing variant allele frequency, disease prevalence and penetrance estimates, and inheritance mode, an automated score was calculated to assess if this variant is too frequent to cause the disease. Based on the score and internal cut-off values, a variant classified as likely benign is not then subjected to further curation. The score for this variant resulted in a classification of likely benign for this disease.